The following is an entry in ClinVar:

ClinVar aggregate classification (germline): Likely benign. Review status: criteria provided, multiple submitters, no conflicts (2 of 4 stars). 2 submissions from 2 submitters: Likely benign (2). Last evaluated 2025-12-25.

Allele frequency attached by ClinVar (database versions not stated): gnomAD 0.00009; TOPMed 0.00009; gnomAD exomes 0.00011 and 0.00013; ExAC 0.00012; ESP Exome Variant Server 0.00015; 1000 Genomes Project 30x 0.00047; 1000 Genomes Project 0.00060.
gnomAD v4.1: 182 of 1,611,904 alleles (0.011%); highest among the groups gnomAD compares: Middle Eastern, 0.033%; no homozygotes.

Submissions (2):

Labcorp Genetics (formerly Invitae), Labcorp
Classification: Likely benign. Last evaluated: 2025-12-25. Review status: criteria provided, single submitter. Criteria: Invitae Variant Classification Sherloc (09022015). Collection method: clinical testing. Allele origin: germline.

CeGaT Center for Human Genetics Tuebingen
Classification: Likely benign. Last evaluated: 2025-01-01. Review status: criteria provided, single submitter. Criteria: CeGaT Center For Human Genetics Tuebingen Variant Classification Criteria Version 2. Collection method: clinical testing. Allele origin: germline. Affected: yes. Observed: 1 variant allele.
Comment: EPRS1: BP4, BP7

NM_004446.3(EPRS1):c.4143C>T (p.Ala1381=)

Gene: EPRS1 (glutamyl-prolyl-tRNA synthetase 1; minus strand). Cytogenetic location: 1q41.
Variant type: single nucleotide variant.
Coding change: c.4143C>T on transcript NM_004446.3 (MANE Select); coding-DNA position 4143, C replaced by T.
Protein change: p.Ala1381=; no amino-acid change (alanine 1381 retained).
Molecular consequence: synonymous variant.
Genome position (GRCh38, 1-based): chr1:219,973,339, G>A on the plus strand (C>T on the coding strand, the complement: EPRS1 is on the minus strand). VCF-style: chr1-219973339-G-A. GRCh37 (hg19) VCF-style: chr1-220146681-G-A.
Identifiers: ClinVar variation 1680857 (VCV001680857.22), dbSNP rs186607798, ClinGen allele CA1399492.